The following is an entry in ClinVar:

ClinVar aggregate classification (germline): Uncertain significance. Review status: criteria provided, multiple submitters, no conflicts (2 of 4 stars). 2 submissions from 2 submitters: Uncertain significance (2). Last evaluated 2024-06-24.

Conditions:
Hereditary cancer-predisposing syndrome. Also called: Neoplastic Syndromes, Hereditary; Tumor predisposition; Hereditary Cancer Syndrome; Hereditary neoplastic syndrome. Identifiers: Orphanet 140162, MedGen C0027672, MeSH D009386, MONDO:0015356.

Allele frequency attached by ClinVar (database versions not stated): TOPMed below 0.00001; gnomAD 0.00001; gnomAD exomes 0.00001.
gnomAD v4.1: 15 of 1,613,832 alleles (0.00093%); highest among the groups gnomAD compares: African/African-American, 0.0013%; no homozygotes.

Submissions (2):

Ambry Genetics
Classification: Uncertain significance for Hereditary cancer-predisposing syndrome. Last evaluated: 2024-06-24. Review status: criteria provided, single submitter. Criteria: Ambry Variant Classification Scheme 2023. Collection method: clinical testing. Allele origin: germline.
Comment: The p.A1375T variant (also known as c.4123G>A), located in coding exon 32 of the POLE gene, results from a G to A substitution at nucleotide position 4123. The alanine at codon 1375 is replaced by threonine, an amino acid with similar properties. This amino acid position is conserved. In addition, this alteration is predicted to be tolerated by in silico analysis. Based on the available evidence, the clinical significance of this variant remains unclear.

Labcorp Genetics (formerly Invitae), Labcorp
Classification: Uncertain significance. Last evaluated: 2023-09-27. Review status: criteria provided, single submitter. Criteria: Invitae Variant Classification Sherloc (09022015). Collection method: clinical testing. Allele origin: germline.
Comment: In summary, the available evidence is currently insufficient to determine the role of this variant in disease. Therefore, it has been classified as a Variant of Uncertain Significance. Advanced modeling of protein sequence and biophysical properties (such as structural, functional, and spatial information, amino acid conservation, physicochemical variation, residue mobility, and thermodynamic stability) performed at Invitae indicates that this missense variant is not expected to disrupt POLE protein function. ClinVar contains an entry for this variant (Variation ID: 473641). This variant has not been reported in the literature in individuals affected with POLE-related conditions. This variant is present in population databases (no rsID available, gnomAD 0.004%). This sequence change replaces alanine, which is neutral and non-polar, with threonine, which is neutral and polar, at codon 1375 of the POLE protein (p.Ala1375Thr).

NM_006231.4(POLE):c.4123G>A (p.Ala1375Thr)

Gene: POLE (DNA polymerase epsilon, catalytic subunit; minus strand). Cytogenetic location: 12q24.33.
Variant type: single nucleotide variant.
Coding change: c.4123G>A on transcript NM_006231.4 (MANE Select); coding-DNA position 4123, G replaced by A.
Protein change: p.Ala1375Thr; replaces alanine 1375 with threonine.
Molecular consequence: missense variant.
Genome position (GRCh38, 1-based): chr12:132,648,955, C>T on the plus strand (G>A on the coding strand, the complement: POLE is on the minus strand). VCF-style: chr12-132648955-C-T. GRCh37 (hg19) VCF-style: chr12-133225541-C-T.
Other names: c.4123G>A (NM_006231.2); short protein forms A1375T.
Identifiers: ClinVar variation 473641 (VCV000473641.12), dbSNP rs1390398091, ClinGen allele CA387383653.